The following is an entry in ClinVar:

NC_000022.11:g.29602212_29610711del

Genes: NF2 (NF2, moesin-ezrin-radixin like (MERLIN) tumor suppressor; plus strand), LOC130067183 (ATAC-STARR-seq lymphoblastoid active region 18817; plus strand), LOC130067184 (ATAC-STARR-seq lymphoblastoid silent region 13595; plus strand). Cytogenetic location: 22q12.2.
Variant type: Deletion.
Genome position: GRCh38: chr22:29,602,212-29,610,711. GRCh37 (hg19): chr22:29,998,201-30,006,700.
Identifiers: ClinVar variation 1691507 (VCV001691507.4), ClinGen allele CA2573157853.

ClinVar aggregate classification (germline): Pathogenic (1 of 4 stars; one submission).

Conditions:
Neurofibromatosis, type 2 (SWNV). Also called: BILATERAL ACOUSTIC NEUROFIBROMATOSIS; SCHWANNOMATOSIS, VESTIBULAR; NF2-Related Schwannomatosis. Identifiers: Orphanet 637, MedGen C0027832, MONDO:0007039, OMIM 101000. Disease mechanism: loss of function.

Submission:

St. Jude Molecular Pathology, St. Jude Children's Research Hospital
Classification: Pathogenic for Neurofibromatosis, type 2. Last evaluated: 2022-03-21. Review status: criteria provided, single submitter. Criteria: St. Jude Assertion Criteria 2020. Collection method: clinical testing. Allele origin: germline.
Comment: The NF2 NM_000268.3c.-1787_114+6599del alteration is an approximately 8.5kb gross deletion encompassing the promoter region and exon 1 of the NF2 gene, which includes the initiation codon. This deletion does not encompass other genes. The 5’ end of this event is located upstream of the NF2 promoter and the 3’ end of this event is likely confined to intron 1 of the NF2 gene however the exact boundaries are unclear due to repeat elements. This deletion is expected to result in an absent or disrupted protein product. Similar deletions of exon 1 have been reported in individuals with neurofibromatosis type 2 (PMID: 15645494, 12807969). Loss-of-function variants in NF2 are known to be pathogenic (PMID: 15190457, 19968670). In summary, this variant meets criteria to be classified as pathogenic.